The following is an entry in ClinVar:

ClinVar aggregate classification (germline): Benign/Likely benign. Review status: criteria provided, multiple submitters, no conflicts (2 of 4 stars). 3 submissions from 3 submitters: Benign (1); Likely benign (2). Last evaluated 2026-06-17.

Conditions:
Hereditary cancer-predisposing syndrome. Also called: Neoplastic Syndromes, Hereditary; Hereditary Cancer Syndrome; Hereditary neoplastic syndrome; Tumor predisposition. Identifiers: Orphanet 140162, MedGen C0027672, MeSH D009386, MONDO:0015356.
Gastrointestinal stromal tumor. Also called: Gastrointestinal stroma tumor; Gastrointestinal stromal tumor, somatic. Identifiers: Orphanet 44890, MedGen C0238198, MeSH D046152, MONDO:0011719, OMIM 606764, HP:0100723.
Polyps, multiple and recurrent inflammatory fibroid, gastrointestinal. Identifiers: MedGen C5193005, MONDO:0008285, OMIM 175510.

Allele frequency attached by ClinVar (database versions not stated): ExAC 0.00001; gnomAD 0.00001; TOPMed 0.00001.
gnomAD v4.1: 7 of 1,613,906 alleles (0.00043%); highest among the groups gnomAD compares: South Asian, 0.0044%; no homozygotes.

Submissions (3):

Myriad Genetics, Inc.
Classification: Benign for Polyps, multiple and recurrent inflammatory fibroid, gastrointestinal. Last evaluated: 2026-06-17. Review status: criteria provided, single submitter. Criteria: Myriad Autosomal Dominant, Autosomal Recessive and X-Linked Classification Criteria (2023). Collection method: clinical testing. Allele origin: unknown.
Comment: This variant is considered benign. This variant is a silent/synonymous amino acid change and it is not expected to impact splicing.

Labcorp Genetics (formerly Invitae), Labcorp
Classification: Likely benign for Gastrointestinal stromal tumor. Last evaluated: 2025-12-21. Review status: criteria provided, single submitter. Criteria: Invitae Variant Classification Sherloc (09022015). Collection method: clinical testing. Allele origin: germline.

Ambry Genetics
Classification: Likely benign for Hereditary cancer-predisposing syndrome. Last evaluated: 2022-09-10. Review status: criteria provided, single submitter. Criteria: Ambry Variant Classification Scheme 2023. Collection method: clinical testing. Allele origin: germline.

NM_006206.6(PDGFRA):c.1491C>T (p.Ile497=)

Gene: PDGFRA (platelet derived growth factor receptor alpha; plus strand). Cytogenetic location: 4q12.
Variant type: single nucleotide variant.
Coding change: c.1491C>T on transcript NM_006206.6 (MANE Select); coding-DNA position 1491, C replaced by T.
Protein change: p.Ile497=; no amino-acid change (isoleucine 497 retained).
Molecular consequence: synonymous variant.
Genome position (GRCh38, 1-based): chr4:54,273,663, C>T. VCF-style: chr4-54273663-C-T. GRCh37 (hg19) VCF-style: chr4-55139830-C-T.
Other names: c.1491C>T, p.Ile497= (NM_001347827.2, NM_001347829.2); c.1566C>T, p.Ile522= (NM_001347828.2); c.1530C>T, p.Ile510= (NM_001347830.2).
Identifiers: ClinVar variation 1097986 (VCV001097986.12), dbSNP rs752368881, ClinGen allele CA2922582.